The following is an entry in ClinVar:

ClinVar aggregate classification (germline): Likely pathogenic (1 of 4 stars; one submission).

Conditions:
Neurodevelopmental abnormality. Identifiers: MedGen C4022737, HP:0012759.

Submission:

Clinical Genetics Laboratory, Skane University Hospital Lund
Classification: Likely pathogenic for Neurodevelopmental abnormality. Last evaluated: 2025-06-02. Review status: criteria provided, single submitter. Criteria: ACMG Guidelines, 2015. Collection method: clinical testing. Allele origin: germline. Inheritance: Autosomal dominant inheritance. Affected: yes.
Comment: ACMG criteria used: PS2_Moderate, PM1, PM2, PP3

Literature cited by the submitters: PubMed 29106825; PubMed 37734130.

NM_004218.4(RAB11B):c.196G>T (p.Asp66Tyr)

Gene: RAB11B (RAB11B, member RAS oncogene family; plus strand). Cytogenetic location: 19p13.2.
Variant type: single nucleotide variant.
Coding change: c.196G>T on transcript NM_004218.4 (MANE Select); coding-DNA position 196, G replaced by T.
Protein change: p.Asp66Tyr; replaces aspartic acid 66 with tyrosine.
Molecular consequence: missense variant.
Genome position (GRCh38, 1-based): chr19:8,400,018, G>T. VCF-style: chr19-8400018-G-T. GRCh37 (hg19) VCF-style: chr19-8464902-G-T.
Other names: short protein forms D66Y.
Identifiers: ClinVar variation 3337505 (VCV003337505.2).